The following is an entry in ClinVar:

ClinVar aggregate classification (germline): Uncertain significance (1 of 4 stars; one submission).

Submission:

Ambry Genetics
Classification: Uncertain significance. Last evaluated: 2022-02-22. Review status: criteria provided, single submitter. Criteria: Ambry Variant Classification Scheme 2023. Collection method: clinical testing. Allele origin: germline.
Comment: The p.A1693P variant (also known as c.5077G>C), located in coding exon 4 of the ALPK2 gene, results from a G to C substitution at nucleotide position 5077. The alanine at codon 1693 is replaced by proline, an amino acid with highly similar properties. This amino acid position is conserved. In addition, this alteration is predicted to be tolerated by in silico analysis. Since supporting evidence is limited at this time, the clinical significance of this alteration remains unclear.

NM_052947.4(ALPK2):c.5077G>C (p.Ala1693Pro)

Genes: ALPK2 (alpha kinase 2; minus strand), LOC130062577 (ATAC-STARR-seq lymphoblastoid active region 13389; plus strand). Cytogenetic location: 18q21.31.
Variant type: single nucleotide variant.
Coding change: c.5077G>C on transcript NM_052947.4 (MANE Select); coding-DNA position 5077, G replaced by C.
Protein change: p.Ala1693Pro; replaces alanine 1693 with proline.
Molecular consequence: missense variant.
Genome position (GRCh38, 1-based): chr18:58,535,110, C>G on the plus strand (G>C on the coding strand, the complement: ALPK2 is on the minus strand). VCF-style: chr18-58535110-C-G. GRCh37 (hg19) VCF-style: chr18-56202342-C-G.
Other names: short protein forms A1693P.
Identifiers: ClinVar variation 1745185 (VCV001745185.2), dbSNP rs2518873534, ClinGen allele CA402558362.